The following is an entry in ClinVar:

NM_005120.3(MED12):c.1954A>G (p.Ser652Gly)

Gene: MED12 (mediator complex subunit 12; plus strand). Cytogenetic location: Xq13.1.
Variant type: single nucleotide variant.
Coding change: c.1954A>G on transcript NM_005120.3 (MANE Select); coding-DNA position 1954, A replaced by G.
Protein change: p.Ser652Gly; replaces serine 652 with glycine.
Molecular consequence: missense variant.
Genome position (GRCh38, 1-based): chrX:71,124,368, A>G. VCF-style: chrX-71124368-A-G. GRCh37 (hg19) VCF-style: chrX-70344218-A-G.
Other names: short protein forms S652G.
Identifiers: ClinVar variation 4770020 (VCV004770020.1).

ClinVar aggregate classification (germline): Uncertain significance (1 of 4 stars; one submission).

Conditions:
FG syndrome (FGS). Identifiers: MedGen C0220769, MONDO:0002010.

gnomAD v4.1: 1 of 1,196,174 alleles (0.000084%); highest among the groups gnomAD compares: Non-Finnish European, 0.00011%; no homozygotes.

Submission:

Labcorp Genetics (formerly Invitae), Labcorp
Classification: Uncertain significance for FG syndrome. Last evaluated: 2025-04-24. Review status: criteria provided, single submitter. Criteria: Invitae Variant Classification Sherloc (09022015). Collection method: clinical testing. Allele origin: germline.
Comment: This sequence change replaces serine, which is neutral and polar, with glycine, which is neutral and non-polar, at codon 652 of the MED12 protein (p.Ser652Gly). This variant is not present in population databases (gnomAD no frequency). This variant has not been reported in the literature in individuals affected with MED12-related conditions. Invitae Evidence Modeling of protein sequence and biophysical properties (such as structural, functional, and spatial information, amino acid conservation, physicochemical variation, residue mobility, and thermodynamic stability) indicates that this missense variant is not expected to disrupt MED12 protein function with a negative predictive value of 95%. In summary, the available evidence is currently insufficient to determine the role of this variant in disease. Therefore, it has been classified as a Variant of Uncertain Significance.